The following is an entry in ClinVar:

ClinVar aggregate classification (germline): Uncertain significance. Review status: criteria provided, multiple submitters, no conflicts (2 of 4 stars). 3 submissions from 3 submitters: Uncertain significance (2). 1 of the submissions does not count toward it. Last evaluated 2025-08-30.

Conditions:
Inborn genetic diseases. Identifiers: MedGen C0950123, MeSH D030342.
Usher syndrome type 2A. Also called: RETINAL DISEASE IN USHER SYNDROME TYPE IIA, MODIFIER OF; USHER SYNDROME, TYPE IIA. Identifiers: Orphanet 231178, Orphanet 886, MedGen C1848634, MONDO:0010169, OMIM 276901.

Allele frequency attached by ClinVar (database versions not stated): gnomAD exomes 0.00001; TOPMed 0.00001; ExAC 0.00002.
gnomAD v4.1: 5 of 1,613,848 alleles (0.00031%); highest among the groups gnomAD compares: Non-Finnish European, 0.00042%; no homozygotes.

Submissions (3):

Ambry Genetics
Classification: Uncertain significance for Inborn genetic diseases. Last evaluated: 2025-08-30. Review status: criteria provided, single submitter. Criteria: Ambry Variant Classification Scheme 2023. Collection method: clinical testing. Allele origin: germline.

Labcorp Genetics (formerly Invitae), Labcorp
Classification: Uncertain significance. Last evaluated: 2025-03-10. Review status: criteria provided, single submitter. Criteria: Invitae Variant Classification Sherloc (09022015). Collection method: clinical testing. Allele origin: germline.
Comment: This sequence change replaces glutamine, which is neutral and polar, with proline, which is neutral and non-polar, at codon 2340 of the USH2A protein (p.Gln2340Pro). This variant is present in population databases (rs751937450, gnomAD 0.002%). This variant has not been reported in the literature in individuals affected with USH2A-related conditions. ClinVar contains an entry for this variant (Variation ID: 933377). Invitae Evidence Modeling of protein sequence and biophysical properties (such as structural, functional, and spatial information, amino acid conservation, physicochemical variation, residue mobility, and thermodynamic stability) indicates that this missense variant is not expected to disrupt USH2A protein function with a negative predictive value of 95%. In summary, the available evidence is currently insufficient to determine the role of this variant in disease. Therefore, it has been classified as a Variant of Uncertain Significance.

Natera, Inc.
Classification: Uncertain significance for Usher syndrome type 2A. Last evaluated: 2021-07-11. Review status: no assertion criteria provided. Collection method: clinical testing. Allele origin: germline. Not counted in ClinVar's aggregate classification.

NM_206933.4(USH2A):c.7019A>C (p.Gln2340Pro)

Gene: USH2A (usherin; minus strand). Cytogenetic location: 1q41.
Variant type: single nucleotide variant.
Coding change: c.7019A>C on transcript NM_206933.4 (MANE Select); coding-DNA position 7019, A replaced by C.
Protein change: p.Gln2340Pro; replaces glutamine 2340 with proline.
Molecular consequence: missense variant.
Genome position (GRCh38, 1-based): chr1:215,965,418, T>G on the plus strand (A>C on the coding strand, the complement: USH2A is on the minus strand). VCF-style: chr1-215965418-T-G. GRCh37 (hg19) VCF-style: chr1-216138760-T-G.
Other names: short protein forms Q2340P.
Identifiers: ClinVar variation 933377 (VCV000933377.8), dbSNP rs751937450, ClinGen allele CA1394967.
Genomic context (GRCh38, chr1:215,965,418, plus strand): 5'-GTTAAGAGTCCATTAGGGCGAAAAGGTGCTTCCCACCTCACGTGGGCTTTCCGGGATCCC[T>G]GTGTTTTGACAAACACATTTACTGTTCCTTCAGGAGGAGCTTCTAGAGTTCGATTTTCCA-3'
Protein context (NP_996816.3, residues 2330-2350): EGTVNVFVKT[Gln2340Pro]GSRKAHVRWE